The following is an entry in ClinVar:

ClinVar aggregate classification (germline): Likely benign (0 of 4 stars; one submission).

Conditions:
TSHZ1-related disorder. Also called: TSHZ1-related condition.

Allele frequency attached by ClinVar (database versions not stated): gnomAD 0.00006; ESP Exome Variant Server 0.00008; ExAC 0.00013; 1000 Genomes Project 30x 0.00016; TOPMed 0.00016; 1000 Genomes Project 0.00020.
gnomAD v4.1: 89 of 1,614,154 alleles (0.0055%); highest among the groups gnomAD compares: Admixed American, 0.075%; 1 homozygote.

Submission:

PreventionGenetics, part of Exact Sciences
Classification: Likely benign for TSHZ1-related condition. Last evaluated: 2019-12-16. Review status: no assertion criteria provided. Collection method: clinical testing. Allele origin: germline.
Comment: This variant is classified as likely benign based on ACMG/AMP sequence variant interpretation guidelines (Richards et al. 2015 PMID: 25741868, with internal and published modifications).

NM_001308210.2(TSHZ1):c.1275C>T (p.His425=)

Gene: TSHZ1 (teashirt zinc finger homeobox 1; plus strand). Cytogenetic location: 18q22.3.
Variant type: single nucleotide variant.
Coding change: c.1275C>T on transcript NM_001308210.2 (MANE Select); coding-DNA position 1275, C replaced by T.
Protein change: p.His425=; no amino-acid change (histidine 425 retained).
Molecular consequence: synonymous variant.
Genome position (GRCh38, 1-based): chr18:75,286,682, C>T. VCF-style: chr18-75286682-C-T. GRCh37 (hg19) VCF-style: chr18-72998637-C-T.
Other names: c.1140C>T, p.His380= (NM_005786.6).
Identifiers: ClinVar variation 3048866 (VCV003048866.2), dbSNP rs376372721, ClinGen allele CA9001994.